The following is an entry in ClinVar:

NM_172250.3(MMAA):c.*4336A>G

Gene: MMAA (metabolism of cobalamin associated A; plus strand). Cytogenetic location: 4q31.21.
Variant type: single nucleotide variant.
Coding change: c.*4336A>G on transcript NM_172250.3 (MANE Select); 4336 bases downstream of the stop codon, A replaced by G.
Molecular consequence: 3 prime UTR variant.
Genome position (GRCh38, 1-based): chr4:145,659,770, A>G. VCF-style: chr4-145659770-A-G. GRCh37 (hg19) VCF-style: chr4-146580922-A-G.
Identifiers: ClinVar variation 347671 (VCV000347671.5), dbSNP rs138752110, ClinGen allele CA10618002.

ClinVar aggregate classification (germline): Benign (1 of 4 stars; one submission).

Conditions:
Methylmalonic aciduria, cblA type (MACA). Also called: Methylmalonic aciduria, vitamin b12-responsive, due to defect in synthesis of adenosylcobalamin, cbla complementation type; MMA cbl A type; Methylmalonic acidemia cblA type; Methylmalonic aciduria, vitamin B12-responsive; Vitamin B12-responsive methylmalonic acidemia type cblA. Identifiers: Orphanet 28, Orphanet 79310, MedGen C1855109, MONDO:0009613, OMIM 251100.

Allele frequency attached by ClinVar (database versions not stated): gnomAD 0.01264 and 0.01347; TOPMed 0.01470; 1000 Genomes Project 0.01597; 1000 Genomes Project 30x 0.01780.

Submission:

Illumina Laboratory Services, Illumina
Classification: Benign for Methylmalonic aciduria, cblA type. Last evaluated: 2018-01-12. Review status: criteria provided, single submitter. Criteria: ICSL Variant Classification Criteria 13 December 2019. Collection method: clinical testing. Allele origin: germline.
Comment: This variant was observed in the ICSL laboratory as part of a predisposition screen in an ostensibly healthy population. It had not been previously curated by ICSL or reported in the Human Gene Mutation Database (HGMD: prior to June 1st, 2018), and was therefore a candidate for classification through an automated scoring system. Utilizing variant allele frequency, disease prevalence and penetrance estimates, and inheritance mode, an automated score was calculated to assess if this variant is too frequent to cause the disease. Based on the score and internal cut-off values, a variant classified as benign is not then subjected to further curation. The score for this variant resulted in a classification of benign for this disease.